The following is an entry in ClinVar:

NM_005267.5(GJA8):c.1145A>G (p.Glu382Gly)

Gene: GJA8 (gap junction protein alpha 8; plus strand). Cytogenetic location: 1q21.2.
Variant type: single nucleotide variant.
Coding change: c.1145A>G on transcript NM_005267.5 (MANE Select); coding-DNA position 1145, A replaced by G.
Protein change: p.Glu382Gly; replaces glutamic acid 382 with glycine.
Molecular consequence: missense variant.
Genome position (GRCh38, 1-based): chr1:147,909,100, A>G. VCF-style: chr1-147909100-A-G. GRCh37 (hg19) VCF-style: chr1-147381227-A-G.
Other names: short protein forms E382G.
Identifiers: ClinVar variation 1316555 (VCV001316555.3), dbSNP rs1414305668, ClinGen allele CA342226723.

ClinVar aggregate classification (germline): Uncertain significance. Review status: criteria provided, multiple submitters, no conflicts (2 of 4 stars). 2 submissions from 2 submitters: Uncertain significance (2). Last evaluated 2023-12-13.

Conditions:
Inborn genetic diseases. Identifiers: MedGen C0950123, MeSH D030342.

Allele frequency attached by ClinVar (database versions not stated): gnomAD exomes below 0.00001; gnomAD 0.00001 and 0.00002; TOPMed 0.00001.

Submissions (2):

Ambry Genetics
Classification: Uncertain significance for Inborn genetic diseases. Last evaluated: 2023-12-13. Review status: criteria provided, single submitter. Criteria: Ambry Variant Classification Scheme 2023. Collection method: clinical testing. Allele origin: germline.

GeneDx
Classification: Uncertain significance. Last evaluated: 2019-12-11. Review status: criteria provided, single submitter. Criteria: GeneDx Variant Classification Process June 2021. Collection method: clinical testing. Allele origin: germline. Affected: yes.
Comment: In silico analysis, which includes protein predictors and evolutionary conservation, supports that this variant does not alter protein structure/function; Has not been previously published as pathogenic or benign to our knowledge